The following is an entry in ClinVar:

NM_006852.6(TLK2):c.326G>A (p.Arg109Gln)

Gene: TLK2 (tousled like kinase 2; plus strand). Cytogenetic location: 17q23.2.
Variant type: single nucleotide variant.
Coding change: c.326G>A on transcript NM_006852.6 (MANE Select); coding-DNA position 326, G replaced by A.
Protein change: p.Arg109Gln; replaces arginine 109 with glutamine.
Molecular consequence: missense variant. On other transcripts: intron variant (6).
Genome position (GRCh38, 1-based): chr17:62,524,294, G>A. VCF-style: chr17-62524294-G-A. GRCh37 (hg19) VCF-style: chr17-60601655-G-A.
Other names: c.326G>A, p.Arg109Gln (NM_001284333.3, NM_001375270.1, NM_001375271.1); c.-85+1117G>A (NM_001375273.1, NM_001330418.3); c.267+1117G>A (NM_001375272.1, NM_001411074.1, NM_001284363.1); c.405+1117G>A (NM_001375269.1); short protein forms R109Q.
Identifiers: ClinVar variation 3340990 (VCV003340990.1).

ClinVar aggregate classification (germline): Likely pathogenic (1 of 4 stars; one submission).

gnomAD v4.1: 2 of 1,613,706 alleles (0.00012%); highest among the groups gnomAD compares: Non-Finnish European, 0.00017%; no homozygotes.

Submission:

GeneDx
Classification: Likely pathogenic. Last evaluated: 2024-02-27. Review status: criteria provided, single submitter. Criteria: GeneDx Variant Classification Process June 2021. Collection method: clinical testing. Allele origin: germline. Affected: yes.
Comment: Not observed at significant frequency in large population cohorts (gnomAD); In silico analysis supports that this missense variant does not alter protein structure/function; Has not been previously published as pathogenic or benign to our knowledge